The following is an entry in ClinVar:

ClinVar aggregate classification (germline): Uncertain significance (1 of 4 stars; one submission).

Conditions:
Charcot-Marie-Tooth disease type 2. Also called: Charcot-Marie-Tooth type 2. Identifiers: Orphanet 64746, MedGen C0270914, MONDO:0018993.

Allele frequency attached by ClinVar (database versions not stated): gnomAD exomes below 0.00001.
gnomAD v4.1: 6 of 1,612,692 alleles (0.00037%); highest among the groups gnomAD compares: Non-Finnish European, 0.00042%; no homozygotes.

Submission:

Labcorp Genetics (formerly Invitae), Labcorp
Classification: Uncertain significance for Charcot-Marie-Tooth disease type 2. Last evaluated: 2025-06-30. Review status: criteria provided, single submitter. Criteria: Invitae Variant Classification Sherloc (09022015). Collection method: clinical testing. Allele origin: germline.
Comment: This sequence change replaces glutamic acid, which is acidic and polar, with aspartic acid, which is acidic and polar, at codon 560 of the AARS protein (p.Glu560Asp). This variant is not present in population databases (gnomAD no frequency). This variant has not been reported in the literature in individuals affected with AARS-related conditions. ClinVar contains an entry for this variant (Variation ID: 216546). Invitae Evidence Modeling of protein sequence and biophysical properties (such as structural, functional, and spatial information, amino acid conservation, physicochemical variation, residue mobility, and thermodynamic stability) indicates that this missense variant is not expected to disrupt AARS protein function with a negative predictive value of 95%. In summary, the available evidence is currently insufficient to determine the role of this variant in disease. Therefore, it has been classified as a Variant of Uncertain Significance.

NM_001605.3(AARS1):c.1680G>C (p.Glu560Asp)

Gene: AARS1 (alanyl-tRNA synthetase 1; minus strand). Cytogenetic location: 16q22.1.
Variant type: single nucleotide variant.
Coding change: c.1680G>C on transcript NM_001605.3 (MANE Select); coding-DNA position 1680, G replaced by C.
Protein change: p.Glu560Asp; replaces glutamic acid 560 with aspartic acid.
Molecular consequence: missense variant.
Genome position (GRCh38, 1-based): chr16:70,261,149, C>G on the plus strand (G>C on the coding strand, the complement: AARS1 is on the minus strand). VCF-style: chr16-70261149-C-G. GRCh37 (hg19) VCF-style: chr16-70295052-C-G.
Other names: short protein forms E560D.
Identifiers: ClinVar variation 216546 (VCV000216546.6), dbSNP rs863224707, ClinGen allele CA339155.
Genomic context (GRCh38, chr16:70,261,149, plus strand): 5'-GTAGATGGTTCCAATGTGTAGCACATACCCTCCTCGGACCTGAGCATTCTTCACTGTAAA[C>G]TCTGTTTTCTAAGAGGGGTCAAGGAAGAGACCAATAAATAAATCCTTAAAAACATACAAA-3'
Protein context (NP_001596.2, residues 550-570): KVDDSSEDKT[Glu560Asp]FTVKNAQVRG